The following is an entry in ClinVar:

ClinVar aggregate classification (germline): Uncertain significance (1 of 4 stars; one submission).

gnomAD v4.1: 6 of 1,599,052 alleles (0.00038%); highest among the groups gnomAD compares: South Asian, 0.0022%; no homozygotes.

Submission:

GeneDx
Classification: Uncertain significance. Last evaluated: 2025-04-28. Review status: criteria provided, single submitter. Criteria: GeneDx Variant Classification Process June 2021. Collection method: clinical testing. Allele origin: germline. Affected: yes.
Comment: In vitro functional studies suggest that this variant results in a shift in voltage dependence of activation and decreased peak current change relative to wild type cells; however, additional studies are needed to validate the functional effect of this variant in vivo (PMID: 34919654); In silico analysis supports that this missense variant has a deleterious effect on protein structure/function; This variant is associated with the following publications: (PMID: 34919654)

NM_021096.4(CACNA1I):c.2413G>A (p.Asp805Asn)

Gene: CACNA1I (calcium voltage-gated channel subunit alpha1 I; plus strand). Cytogenetic location: 22q13.1.
Variant type: single nucleotide variant.
Coding change: c.2413G>A on transcript NM_021096.4 (MANE Select); coding-DNA position 2413, G replaced by A.
Protein change: p.Asp805Asn; replaces aspartic acid 805 with asparagine.
Molecular consequence: missense variant.
Genome position (GRCh38, 1-based): chr22:39,659,515, G>A. VCF-style: chr22-39659515-G-A. GRCh37 (hg19) VCF-style: chr22-40055520-G-A.
Other names: c.2308G>A, p.Asp770Asn (NM_001003406.2); short protein forms D770N, D805N.
Identifiers: ClinVar variation 4526982 (VCV004526982.1).